The following is an entry in ClinVar:

NM_001111.5(ADAR):c.2611G>A (p.Ala871Thr)

Genes: ADAR (adenosine deaminase RNA specific; minus strand), LOC126805874 (CDK7 strongly-dependent group 2 enhancer GRCh37_chr1:154561176-154562375; plus strand). Cytogenetic location: 1q21.3.
Variant type: single nucleotide variant.
Coding change: c.2611G>A on transcript NM_001111.5 (MANE Select); coding-DNA position 2611, G replaced by A.
Protein change: p.Ala871Thr; replaces alanine 871 with threonine.
Molecular consequence: missense variant.
Genome position (GRCh38, 1-based): chr1:154,589,814, C>T on the plus strand (G>A on the coding strand, the complement: ADAR is on the minus strand). VCF-style: chr1-154589814-C-T. GRCh37 (hg19) VCF-style: chr1-154562290-C-T.
Other names: c.1726G>A, p.Ala576Thr (NM_001025107.3, NM_001193495.2, NM_001365046.1 and 2 more transcripts); c.2638G>A, p.Ala880Thr (NM_001365045.1); c.1648G>A, p.Ala550Thr (NM_001365049.1); c.2533G>A, p.Ala845Thr (NM_015840.4); c.2476G>A, p.Ala826Thr (NM_015841.4); short protein forms A550T, A576T, A826T, A845T, A871T, A880T.
Identifiers: ClinVar variation 1015532 (VCV001015532.9), dbSNP rs769985255, ClinGen allele CA1131217.
Genomic context (GRCh38, chr1:154,589,814, plus strand): 5'-CACCTGTTCCCAAGCTGACGACGACACCCATGTCCTCAGAGTCTTTTTTCATAATGATGG[C>T]GGCCAGAATCTTGCGGCCGAGCAAGGAGGGCTGGAAGCTGTTAGTCAGAGTGTTGAAGCA-3'
Protein context (NP_001102.3, residues 861-881): PSLLGRKILA[Ala871Thr]IIMKKDSEDM

ClinVar aggregate classification (germline): Uncertain significance (1 of 4 stars; one submission).

Conditions:
Aicardi-Goutieres syndrome 6 (AGS6). Identifiers: Orphanet 51, MedGen C3539013, MONDO:0014007, OMIM 615010.
Symmetrical dyschromatosis of extremities (DSH). Also called: DYSCHROMATOSIS SYMMETRICA HEREDITARIA 1; RETICULATE ACROPIGMENTATION OF DOHI; SYMMETRIC DYSCHROMATOSIS OF THE EXTREMITIES; Dyschromatosis symmetrica hereditaria. Identifiers: Orphanet 41, MedGen C0406775, MONDO:0007483, OMIM 127400.

Allele frequency attached by ClinVar (database versions not stated): gnomAD exomes 0.00006; gnomAD 0.00005; ExAC 0.00012; TOPMed 0.00006.
gnomAD v4.1: 31 of 1,613,888 alleles (0.0019%); highest among the groups gnomAD compares: African/African-American, 0.011%; no homozygotes.

Submission:

Labcorp Genetics (formerly Invitae), Labcorp
Classification: Uncertain significance for Aicardi-Goutieres syndrome 6; Symmetrical dyschromatosis of extremities. Last evaluated: 2025-08-06. Review status: criteria provided, single submitter. Criteria: Invitae Variant Classification Sherloc (09022015). Collection method: clinical testing. Allele origin: germline.
Comment: This sequence change replaces alanine, which is neutral and non-polar, with threonine, which is neutral and polar, at codon 871 of the ADAR protein (p.Ala871Thr). This variant is present in population databases (rs769985255, gnomAD 0.01%). This variant has not been reported in the literature in individuals affected with ADAR-related conditions. ClinVar contains an entry for this variant (Variation ID: 1015532). Invitae Evidence Modeling of protein sequence and biophysical properties (such as structural, functional, and spatial information, amino acid conservation, physicochemical variation, residue mobility, and thermodynamic stability) indicates that this missense variant is not expected to disrupt ADAR protein function with a negative predictive value of 80%. In summary, the available evidence is currently insufficient to determine the role of this variant in disease. Therefore, it has been classified as a Variant of Uncertain Significance.